The following is an entry in ClinVar:

NM_020203.6(MEPE):c.1393C>A (p.His465Asn)

Genes: MEPE (matrix extracellular phosphoglycoprotein; plus strand), MEPE-AS1 (MEPE and IBSP antisense RNA 1; minus strand). Cytogenetic location: 4q22.1.
Variant type: single nucleotide variant.
Coding change: c.1393C>A on transcript NM_020203.6 (MANE Select); coding-DNA position 1393, C replaced by A.
Protein change: p.His465Asn; replaces histidine 465 with asparagine.
Molecular consequence: missense variant.
Genome position (GRCh38, 1-based): chr4:87,846,261, C>A. VCF-style: chr4-87846261-C-A. GRCh37 (hg19) VCF-style: chr4-88767413-C-A.
Other names: c.1393C>A, p.His465Asn (NM_001184694.3); c.1054C>A, p.His352Asn (NM_001184695.4, NM_001184696.2, NM_001184697.2); c.1486C>A, p.His496Asn (NM_001291183.2); short protein forms H352N, H465N, H496N.
Identifiers: ClinVar variation 3044778 (VCV003044778.2), dbSNP rs61731018, ClinGen allele CA3002841.
Genomic context (GRCh38, chr4:87,846,261, plus strand): 5'-AATGAAATCAAAAACGAAATGGATTCCTTTAATGGCCCCAGTCATGAGAATATAATAACA[C>A]ATGGCAGAAAATATCATTATGTACCCCACAGACAAAATAATTCTACACGGAATAAGGGTA-3'
Protein context (NP_064588.1, residues 455-475): NGPSHENIIT[His465Asn]GRKYHYVPHR

ClinVar aggregate classification (germline): Benign (0 of 4 stars; one submission).

Conditions:
MEPE-related disorder. Also called: MEPE-related condition.

Allele frequency attached by ClinVar (database versions not stated): gnomAD exomes 0.00065; ExAC 0.00218; gnomAD 0.00625; TOPMed 0.00739; ESP Exome Variant Server 0.00784; 1000 Genomes Project 0.00919; 1000 Genomes Project 30x 0.00984.
gnomAD v4.1: 1,932 of 1,613,968 alleles (0.12%); highest among the groups gnomAD compares: African/African-American, 2.3%; 19 homozygotes.

Submission:

PreventionGenetics, part of Exact Sciences
Classification: Benign for MEPE-related condition. Last evaluated: 2019-07-11. Review status: no assertion criteria provided. Collection method: clinical testing. Allele origin: germline.
Comment: This variant is classified as benign based on ACMG/AMP sequence variant interpretation guidelines (Richards et al. 2015 PMID: 25741868, with internal and published modifications).